The following is an entry in ClinVar:

ClinVar aggregate classification (germline): Uncertain significance (1 of 4 stars; one submission).

Allele frequency attached by ClinVar (database versions not stated): gnomAD exomes below 0.00001; gnomAD 0.00001; ExAC 0.00002.

Submission:

Labcorp Genetics (formerly Invitae), Labcorp
Classification: Uncertain significance. Last evaluated: 2023-04-07. Review status: criteria provided, single submitter. Criteria: Invitae Variant Classification Sherloc (09022015). Collection method: clinical testing. Allele origin: germline.
Comment: In summary, the available evidence is currently insufficient to determine the role of this variant in disease. Therefore, it has been classified as a Variant of Uncertain Significance. An algorithm developed to predict the effect of missense changes on protein structure and function (PolyPhen-2) suggests that this variant is likely to be tolerated. This variant has not been reported in the literature in individuals affected with OR2W3-related conditions. This variant is present in population databases (rs756488135, gnomAD 0.02%). This sequence change replaces methionine, which is neutral and non-polar, with isoleucine, which is neutral and non-polar, at codon 181 of the OR2W3 protein (p.Met181Ile).

NM_001001957.2(OR2W3):c.543G>A (p.Met181Ile)

Gene: OR2W3 (olfactory receptor family 2 subfamily W member 3; plus strand). Cytogenetic location: 1q44.
Variant type: single nucleotide variant.
Coding change: c.543G>A on transcript NM_001001957.2 (MANE Select); coding-DNA position 543, G replaced by A.
Protein change: p.Met181Ile; replaces methionine 181 with isoleucine.
Molecular consequence: missense variant.
Genome position (GRCh38, 1-based): chr1:247,896,129, G>A. VCF-style: chr1-247896129-G-A. GRCh37 (hg19) VCF-style: chr1-248059431-G-A.
Other names: short protein forms M181I.
Identifiers: ClinVar variation 2986580 (VCV002986580.3), dbSNP rs756488135, ClinGen allele CA1498625.